The following is an entry in ClinVar:

ClinVar aggregate classification (germline): Uncertain significance. Review status: criteria provided, multiple submitters, no conflicts (2 of 4 stars). 3 submissions from 3 submitters: Uncertain significance (3). Last evaluated 2025-12-10.

Conditions:
Juvenile polyposis syndrome (JPS). Identifiers: Orphanet 2929, MedGen C0345893, MONDO:0017380, OMIM 174900.
Hereditary cancer-predisposing syndrome. Also called: Tumor predisposition; Neoplastic Syndromes, Hereditary; Hereditary Cancer Syndrome; Hereditary neoplastic syndrome. Identifiers: Orphanet 140162, MedGen C0027672, MeSH D009386, MONDO:0015356.

Allele frequency attached by ClinVar (database versions not stated): TOPMed below 0.00001.

Submissions (3):

Ambry Genetics
Classification: Uncertain significance for Hereditary cancer-predisposing syndrome. Last evaluated: 2025-12-10. Review status: criteria provided, single submitter. Criteria: Ambry Variant Classification Scheme 2023. Collection method: clinical testing. Allele origin: germline.
Comment: The p.L30R variant (also known as c.89T>G), located in coding exon 2 of the BMPR1A gene, results from a T to G substitution at nucleotide position 89. The leucine at codon 30 is replaced by arginine, an amino acid with dissimilar properties. This amino acid position is conserved. In addition, the in silico prediction for this alteration is inconclusive. Based on the available evidence, the clinical significance of this variant remains unclear.

Color Diagnostics, LLC DBA Color Health
Classification: Uncertain significance for Hereditary cancer-predisposing syndrome. Last evaluated: 2023-12-05. Review status: criteria provided, single submitter. Criteria: ACMG Guidelines, 2015. Collection method: clinical testing. Allele origin: germline.
Comment: This missense variant replaces leucine with arginine at codon 30 of the BMPR1A protein. Computational prediction is inconclusive regarding the impact of this variant on protein structure and function (internally defined REVEL score threshold 0.5 < inconclusive < 0.7, PMID: 27666373). To our knowledge, functional studies have not been reported for this variant. This variant has not been reported in individuals affected with BMPR1A-related disorders in the literature. This variant has not been identified in the general population by the Genome Aggregation Database (gnomAD). The available evidence is insufficient to determine the role of this variant in disease conclusively. Therefore, this variant is classified as a Variant of Uncertain Significance.

Labcorp Genetics (formerly Invitae), Labcorp
Classification: Uncertain significance for Juvenile polyposis syndrome. Last evaluated: 2022-01-27. Review status: criteria provided, single submitter. Criteria: Invitae Variant Classification Sherloc (09022015). Collection method: clinical testing. Allele origin: germline.
Comment: This sequence change replaces leucine, which is neutral and non-polar, with arginine, which is basic and polar, at codon 30 of the BMPR1A protein (p.Leu30Arg). This variant is not present in population databases (gnomAD no frequency). This variant has not been reported in the literature in individuals affected with BMPR1A-related conditions. ClinVar contains an entry for this variant (Variation ID: 489701). Advanced modeling of protein sequence and biophysical properties (such as structural, functional, and spatial information, amino acid conservation, physicochemical variation, residue mobility, and thermodynamic stability) performed at Invitae indicates that this missense variant is not expected to disrupt BMPR1A protein function. In summary, the available evidence is currently insufficient to determine the role of this variant in disease. Therefore, it has been classified as a Variant of Uncertain Significance.

NM_004329.3(BMPR1A):c.89T>G (p.Leu30Arg)

Gene: BMPR1A (bone morphogenetic protein receptor type 1A; plus strand). Cytogenetic location: 10q23.2.
Variant type: single nucleotide variant.
Coding change: c.89T>G on transcript NM_004329.3 (MANE Select); coding-DNA position 89, T replaced by G.
Protein change: p.Leu30Arg; replaces leucine 30 with arginine.
Molecular consequence: missense variant.
Genome position (GRCh38, 1-based): chr10:86,890,083, T>G. VCF-style: chr10-86890083-T-G. GRCh37 (hg19) VCF-style: chr10-88649840-T-G.
Other names: short protein forms L30R.
Identifiers: ClinVar variation 489701 (VCV000489701.17), dbSNP rs1194403044, ClinGen allele CA377446310.